The following is an entry in ClinVar:

NM_000018.4(ACADVL):c.1316del (p.Gly439fs)

Gene: ACADVL (acyl-CoA dehydrogenase very long chain; plus strand). Cytogenetic location: 17p13.1.
Variant type: Deletion.
Coding change: c.1316del on transcript NM_000018.4 (MANE Select); coding-DNA position 1316, one base deleted (G; older notation c.1316delG).
Protein change: p.Gly439fs; shifts the reading frame from glycine 439.
Molecular consequence: frameshift variant.
Genome position (GRCh38, 1-based): chr17:7,223,859, G deleted; the last of 6 consecutive G bases (chr17:7,223,854-7,223,859); deleting any one gives the same sequence. VCF-style (leftmost placement, unchanged base first): chr17-7223853-TG-T. GRCh37 (hg19) VCF-style: chr17-7127172-TG-T.
Other names: NM_000018.4(ACADVL):c.1316del; p.Gly439fs; c.1250del, p.Gly417fs (NM_001033859.3); c.1385del, p.Gly462fs (NM_001270447.2); c.1088del, p.Gly363fs (NM_001270448.2); short protein forms G417fs, G363fs, G439fs, G462fs.
Identifiers: ClinVar variation 932852 (VCV000932852.11), dbSNP rs748077880, ClinGen allele CA8338063.

ClinVar aggregate classification (germline): Likely pathogenic. Review status: reviewed by expert panel (3 of 4 stars). 4 submissions from 4 submitters: Likely pathogenic (1). 3 of the submissions do not count toward it. Last evaluated 2023-03-27.

Conditions:
Very long chain acyl-CoA dehydrogenase deficiency (ACADVLD). Also called: Very Long-Chain Acyl-Coenzyme A Dehydrogenase Deficiency; VLCAD Deficiency. Identifiers: Orphanet 26793, MedGen C3887523, MONDO:0008723, OMIM 201475.

Submissions (4):

ClinGen ACADVL Variant Curation Expert Panel, ClinGen
Classification: Likely pathogenic for Very long chain acyl-CoA dehydrogenase deficiency. Last evaluated: 2023-03-27. Review status: reviewed by expert panel. Criteria: clingen acadvl acmg specifications v1. Collection method: curation. Allele origin: germline. Inheritance: Autosomal recessive inheritance.
Comment: The NM_000018.4(ACADVL); c.1316del(p.Gly439Valfs*5) variant in ACADVL is a frameshift variant predicted to cause a premature stop codon in biologically-relevant-exon 13 leading to nonsense mediated decay in a gene in which loss-of-function is an established disease mechanism (PVS1; PMIDs 9973285, 11590124). At least one individual with this variant was identified by newborn screen, but this information is insufficient for to use toward classification (PMID: 26385305). The highest population minor allele frequency in gnomAD v2.1.1 is 0.00003 in South Asian population, which is lower than the ClinGen ACADVL Variant Curation Expert Panel threshold (<0.001) for PM2_Supporting, meeting this criterion (PM2_Supporting). In summary, this variant meets the criteria to be classified as likely pathogenic for autosomal recessive very long chain acyl-CoA dehydrogenase (VLCAD) deficiency based on the ACMG/AMP criteria applied, as specified by the ClinGen ACADVL Variant Curation Expert Panel: PVS1, PM2_Supporting.

Labcorp Genetics (formerly Invitae), Labcorp
Classification: Pathogenic for Very long chain acyl-CoA dehydrogenase deficiency. Last evaluated: 2026-01-07. Review status: criteria provided, single submitter. Criteria: Invitae Variant Classification Sherloc (09022015). Collection method: clinical testing. Allele origin: germline. Not counted in ClinVar's aggregate classification.
Comment: This sequence change creates a premature translational stop signal (p.Gly439Valfs*5) in the ACADVL gene. It is expected to result in an absent or disrupted protein product. Loss-of-function variants in ACADVL are known to be pathogenic (PMID: 9973285, 11590124). This variant is present in population databases (rs748077880, gnomAD 0.003%). This premature translational stop signal has been observed in individual(s) with very long-chain acyl-CoA dehydrogenase (VLCAD) deficiency or abnormal newborn screening suggestive of VLCAD deficiency (PMID: 26385305, 30194637). ClinVar contains an entry for this variant (Variation ID: 932852). Algorithms developed to predict the effect of sequence changes on RNA splicing suggest that this variant may disrupt the consensus splice site. For these reasons, this variant has been classified as Pathogenic.

Department of Genetics of Metabolic Diseases, Institute of Medical & Molecular Genetics, Hospital Universitario Hospital La Paz
Classification: Pathogenic for Very long chain acyl-CoA dehydrogenase deficiency. Last evaluated: 2024-09-01. Review status: criteria provided, single submitter. Criteria: ACMG Guidelines, 2015. Collection method: clinical testing. Allele origin: germline. Inheritance: Autosomal recessive inheritance. Affected: yes. Not counted in ClinVar's aggregate classification.
Comment: The variant NM_000018.3:c.1316delG p.(Gly439Valfs*5) in ACADVL is predicted to result in a premature stop codon in biologically-relevant-exon 13 leading to nonsense mediated decay in a gene in which loss-of-function. It is present at low frequency in gnomAD (0.0003978%). This variant has been reported in two compound heterozygous individuals with reduced VLCAD´s activity (PMID: 30194637) and in a newborn with C14:1 levels at NBS consistent with VLCADD (PMID: Hidalgo Mayoral I et al., in press).

Wong Mito Lab, Molecular and Human Genetics, Baylor College of Medicine
Classification: Pathogenic for Very long chain acyl-CoA dehydrogenase deficiency. Last evaluated: 2019-11-01. Review status: criteria provided, single submitter. Criteria: ACMG Guidelines, 2015. Collection method: clinical testing. Allele origin: germline. Not counted in ClinVar's aggregate classification.
Comment: The NM_000018.3:c.1316delG (NP_000009.1:p.Gly439ValfsTer5) [GRCH38: NC_000017.11:g.7223859del] variant in ACADVL gene is interpretated to be Pathogenic based on ACMG guidelines (PMID: 25741868). This variant has been reported. This variant meets the following evidence codes reported in the ACMG guidelines: PVS1, PS3

Literature cited by the submitters: PubMed 9973285 (cited by Labcorp Genetics (formerly Invitae), Labcorp); PubMed 11590124 (cited by Labcorp Genetics (formerly Invitae), Labcorp); PubMed 26385305 (cited by Labcorp Genetics (formerly Invitae), Labcorp); PubMed 30194637 (cited by Labcorp Genetics (formerly Invitae), Labcorp); PubMed 41022664 (cited by Department of Genetics of Metabolic Diseases, Institute of Medical & Molecular Genetics, Hospital Universitario Hospital La Paz).